The following is an entry in ClinVar:

NM_001378477.3(NYX):c.488A>G (p.Asp163Gly)

Gene: NYX (nyctalopin; plus strand). Cytogenetic location: Xp11.4.
Variant type: single nucleotide variant.
Coding change: c.488A>G on transcript NM_001378477.3 (MANE Select); coding-DNA position 488, A replaced by G.
Protein change: p.Asp163Gly; replaces aspartic acid 163 with glycine.
Molecular consequence: missense variant.
Genome position (GRCh38, 1-based): chrX:41,473,956, A>G. VCF-style: chrX-41473956-A-G. GRCh37 (hg19) VCF-style: chrX-41333209-A-G.
Other names: c.488A>G, p.Asp163Gly (NM_022567.3); short protein forms D163G.
Identifiers: ClinVar variation 2999603 (VCV002999603.3), dbSNP rs1007991038, ClinGen allele CA329217047.
Genomic context (GRCh38, chrX:41,473,956, plus strand): 5'-TCAGCGTGCCCGAGCGCCTCCTGGCCGAACTGCCGGCCCTGCGCGAACTCGCCGCCTTCG[A>G]CAACCTGTTCCGCCGCGTGCCGGGCGCGCTGCGCGGCCTGGCCAACCTGACGCACGCGCA-3'
Protein context (NP_001365406.2, residues 153-173): LPALRELAAF[Asp163Gly]NLFRRVPGAL

ClinVar aggregate classification (germline): Uncertain significance (1 of 4 stars; one submission).

Allele frequency attached by ClinVar (database versions not stated): gnomAD exomes below 0.00001; TOPMed below 0.00001; gnomAD 0.00001.

Submission:

Labcorp Genetics (formerly Invitae), Labcorp
Classification: Uncertain significance. Last evaluated: 2023-03-10. Review status: criteria provided, single submitter. Criteria: Invitae Variant Classification Sherloc (09022015). Collection method: clinical testing. Allele origin: germline.
Comment: In summary, the available evidence is currently insufficient to determine the role of this variant in disease. Therefore, it has been classified as a Variant of Uncertain Significance. Advanced modeling of protein sequence and biophysical properties (such as structural, functional, and spatial information, amino acid conservation, physicochemical variation, residue mobility, and thermodynamic stability) performed at Invitae indicates that this missense variant is not expected to disrupt NYX protein function. This variant has not been reported in the literature in individuals affected with NYX-related conditions. This variant is not present in population databases (gnomAD no frequency). This sequence change replaces aspartic acid, which is acidic and polar, with glycine, which is neutral and non-polar, at codon 168 of the NYX protein (p.Asp168Gly).